The following is an entry in ClinVar:

NM_001105206.3(LAMA4):c.2485G>T (p.Ala829Ser)

Gene: LAMA4 (laminin subunit alpha 4; minus strand). Cytogenetic location: 6q21.
Variant type: single nucleotide variant.
Coding change: c.2485G>T on transcript NM_001105206.3 (MANE Select); coding-DNA position 2485, G replaced by T.
Protein change: p.Ala829Ser; replaces alanine 829 with serine.
Molecular consequence: missense variant.
Genome position (GRCh38, 1-based): chr6:112,144,802, C>A on the plus strand (G>T on the coding strand, the complement: LAMA4 is on the minus strand). VCF-style: chr6-112144802-C-A. GRCh37 (hg19) VCF-style: chr6-112466004-C-A.
Other names: c.2464G>T, p.Ala822Ser (NM_001105207.3, NM_002290.5); short protein forms A822S, A829S.
Identifiers: ClinVar variation 4614440 (VCV004614440.1).

ClinVar aggregate classification (germline): Uncertain significance (1 of 4 stars; one submission).

Conditions:
Cardiovascular phenotype. Identifiers: MedGen CN230736.

gnomAD v4.1: 4 of 1,613,432 alleles (0.00025%); highest among the groups gnomAD compares: Non-Finnish European, 0.00034%; no homozygotes.

Submission:

Ambry Genetics
Classification: Uncertain significance for Cardiovascular phenotype. Last evaluated: 2025-10-01. Review status: criteria provided, single submitter. Criteria: Ambry Variant Classification Scheme 2023. Collection method: clinical testing. Allele origin: germline.
Comment: The p.A822S variant (also known as c.2464G>T), located in coding exon 18 of the LAMA4 gene, results from a G to T substitution at nucleotide position 2464. The alanine at codon 822 is replaced by serine, an amino acid with similar properties. This amino acid position is conserved. In addition, the in silico prediction for this alteration is inconclusive. Based on the available evidence, the clinical significance of this variant remains unclear.